The following is an entry in ClinVar:

NM_001159699.2(FHL1):c.334G>A (p.Glu112Lys)

Gene: FHL1 (four and a half LIM domains 1; plus strand). Cytogenetic location: Xq26.3.
Variant type: single nucleotide variant.
Coding change: c.334G>A on transcript NM_001159699.2 (MANE Select); coding-DNA position 334, G replaced by A.
Protein change: p.Glu112Lys; replaces glutamic acid 112 with lysine.
Molecular consequence: missense variant. On other transcripts: non-coding transcript variant (1).
Genome position (GRCh38, 1-based): chrX:136,207,145, G>A. VCF-style: chrX-136207145-G-A. GRCh37 (hg19) VCF-style: chrX-135289304-G-A.
Other names: c.286G>A, p.Glu96Lys (NM_001369330.1, NM_001369331.1, NM_001449.5 and 9 more transcripts); c.373G>A, p.Glu125Lys (NM_001159701.2); c.334G>A, p.Glu112Lys (NM_001330659.2); short protein forms E112K, E96K, E125K.
Identifiers: ClinVar variation 3685717 (VCV003685717.2).

ClinVar aggregate classification (germline): Uncertain significance (1 of 4 stars; one submission).

Conditions:
X-linked myopathy with postural muscle atrophy. Also called: FHL1-Related Emery-Dreifuss Muscular Dystrophy, X-Linked. Identifiers: Orphanet 178461, MedGen C2678055, MONDO:0010401, OMIM 300696.

Submission:

Labcorp Genetics (formerly Invitae), Labcorp
Classification: Uncertain significance for X-linked myopathy with postural muscle atrophy. Last evaluated: 2024-10-12. Review status: criteria provided, single submitter. Criteria: Invitae Variant Classification Sherloc (09022015). Collection method: clinical testing. Allele origin: germline.
Comment: This sequence change replaces glutamic acid, which is acidic and polar, with lysine, which is basic and polar, at codon 96 of the FHL1 protein (p.Glu96Lys). This variant is not present in population databases (gnomAD no frequency). This variant has not been reported in the literature in individuals affected with FHL1-related conditions. An algorithm developed to predict the effect of missense changes on protein structure and function (PolyPhen-2) suggests that this variant is likely to be disruptive. In summary, the available evidence is currently insufficient to determine the role of this variant in disease. Therefore, it has been classified as a Variant of Uncertain Significance.